The following is an entry in ClinVar:

ClinVar aggregate classification (germline): Uncertain significance (1 of 4 stars; one submission).

Conditions:
Hereditary cancer-predisposing syndrome. Also called: Hereditary neoplastic syndrome; Neoplastic Syndromes, Hereditary; Tumor predisposition; Hereditary Cancer Syndrome. Identifiers: Orphanet 140162, MedGen C0027672, MeSH D009386, MONDO:0015356.

Submission:

Ambry Genetics
Classification: Uncertain significance for Hereditary cancer-predisposing syndrome. Last evaluated: 2025-02-28. Review status: criteria provided, single submitter. Criteria: Ambry Variant Classification Scheme 2023. Collection method: clinical testing. Allele origin: germline.
Comment: The p.N154S variant (also known as c.461A>G), located in coding exon 4 of the FH gene, results from an A to G substitution at nucleotide position 461. The asparagine at codon 154 is replaced by serine, an amino acid with highly similar properties. This amino acid position is highly conserved in available vertebrate species. In addition, this alteration is predicted to be deleterious by in silico analysis. Based on the available evidence, the clinical significance of this variant remains unclear.

NM_000143.4(FH):c.461A>G (p.Asn154Ser)

Gene: FH (fumarate hydratase; minus strand). Cytogenetic location: 1q43.
Variant type: single nucleotide variant.
Coding change: c.461A>G on transcript NM_000143.4 (MANE Select); coding-DNA position 461, A replaced by G.
Protein change: p.Asn154Ser; replaces asparagine 154 with serine.
Molecular consequence: missense variant.
Genome position (GRCh38, 1-based): chr1:241,512,061, T>C on the plus strand (A>G on the coding strand, the complement: FH is on the minus strand). VCF-style: chr1-241512061-T-C. GRCh37 (hg19) VCF-style: chr1-241675361-T-C.
Other names: short protein forms N154S.
Identifiers: ClinVar variation 3850235 (VCV003850235.1).